The following is an entry in ClinVar:

ClinVar aggregate classification (germline): Uncertain significance (1 of 4 stars; one submission).

Allele frequency attached by ClinVar (database versions not stated): gnomAD exomes 0.00002.
gnomAD v4.1: 31 of 1,614,164 alleles (0.0019%); highest among the groups gnomAD compares: Non-Finnish European, 0.0025%; no homozygotes.

Submission:

Labcorp Genetics (formerly Invitae), Labcorp
Classification: Uncertain significance. Last evaluated: 2022-04-10. Review status: criteria provided, single submitter. Criteria: Invitae Variant Classification Sherloc (09022015). Collection method: clinical testing. Allele origin: germline.
Comment: This sequence change replaces threonine, which is neutral and polar, with isoleucine, which is neutral and non-polar, at codon 1810 of the CCDC88A protein (p.Thr1810Ile). This variant is not present in population databases (gnomAD no frequency). This variant has not been reported in the literature in individuals affected with CCDC88A-related conditions. Algorithms developed to predict the effect of missense changes on protein structure and function are either unavailable or do not agree on the potential impact of this missense change (SIFT: "Deleterious"; PolyPhen-2: "Probably Damaging"; Align-GVGD: "Class C0"). In summary, the available evidence is currently insufficient to determine the role of this variant in disease. Therefore, it has been classified as a Variant of Uncertain Significance.

NM_001365480.1(CCDC88A):c.5432C>T (p.Thr1811Ile)

Gene: CCDC88A (coiled-coil and HOOK domain protein 88A; minus strand). Cytogenetic location: 2p16.1.
Variant type: single nucleotide variant.
Coding change: c.5432C>T on transcript NM_001365480.1 (MANE Select); coding-DNA position 5432, C replaced by T.
Protein change: p.Thr1811Ile; replaces threonine 1811 with isoleucine.
Molecular consequence: missense variant.
Genome position (GRCh38, 1-based): chr2:55,295,716, G>A on the plus strand (C>T on the coding strand, the complement: CCDC88A is on the minus strand). VCF-style: chr2-55295716-G-A. GRCh37 (hg19) VCF-style: chr2-55522852-G-A.
Other names: c.5429C>T, p.Thr1810Ile (NM_001135597.2); c.5207C>T, p.Thr1736Ile (NM_001254943.2); c.5348C>T, p.Thr1783Ile (NM_018084.5); short protein forms T1811I, T1736I, T1783I, T1810I.
Identifiers: ClinVar variation 1968964 (VCV001968964.5), dbSNP rs2529529855, ClinGen allele CA346911499.